The following is an entry in ClinVar:

ClinVar aggregate classification (germline): Pathogenic (1 of 4 stars; one submission).

Submission:

GeneDx
Classification: Pathogenic. Last evaluated: 2024-05-24. Review status: criteria provided, single submitter. Criteria: GeneDx Variant Classification Process June 2021. Collection method: clinical testing. Allele origin: germline. Affected: yes.
Comment: Nonsense variant predicted to result in protein truncation or nonsense mediated decay in a gene for which loss of function is a known mechanism of disease; Not observed at significant frequency in large population cohorts (gnomAD); Has not been previously published as pathogenic or benign to our knowledge

NM_001080517.3(SETD5):c.1579A>T (p.Lys527Ter)

Gene: SETD5 (SET domain containing 5; plus strand). Cytogenetic location: 3p25.3.
Variant type: single nucleotide variant.
Coding change: c.1579A>T on transcript NM_001080517.3 (MANE Select); coding-DNA position 1579, A replaced by T.
Protein change: p.Lys527Ter; replaces lysine 527 with a stop codon.
Molecular consequence: nonsense.
Genome position (GRCh38, 1-based): chr3:9,447,104, A>T. VCF-style: chr3-9447104-A-T. GRCh37 (hg19) VCF-style: chr3-9488788-A-T.
Other names: c.1285A>T, p.Lys429Ter (NM_001292043.2, NM_001349451.2); short protein forms K429*, K527*.
Identifiers: ClinVar variation 3383664 (VCV003383664.1).